The following is an entry in ClinVar:

ClinVar aggregate classification (germline): Likely pathogenic (1 of 4 stars; one submission).

Conditions:
Autism spectrum disorder due to AUTS2 deficiency (MRD26). Also called: INTELLECTUAL DEVELOPMENTAL DISORDER, AUTOSOMAL DOMINANT 26. Identifiers: Orphanet 352490, MedGen C4014435, MONDO:0014361, OMIM 615834.

Submission:

Clinical Genetics Laboratory, Region Ostergotland
Classification: Likely pathogenic for Autism spectrum disorder due to AUTS2 deficiency. Last evaluated: 2025-06-16. Review status: criteria provided, single submitter. Criteria: ACMG Guidelines, 2015. Collection method: clinical testing. Allele origin: de novo. Affected: yes.
Comment: The following ACMG/AMP criteria were applied in classifying this variant: PVS1_strong, PM2, PS2_supporting

NM_015570.4(AUTS2):c.2759_2762del (p.Asp920fs)

Gene: AUTS2 (activator of transcription and developmental regulator AUTS2; plus strand). Cytogenetic location: 7q11.22.
Variant type: Deletion.
Coding change: c.2759_2762del on transcript NM_015570.4 (MANE Select); coding-DNA positions 2759 to 2762, 4 bases deleted (ACGG; older notation c.2759_2762delACGG).
Protein change: p.Asp920fs; shifts the reading frame from aspartic acid 920.
Molecular consequence: frameshift variant.
Genome position (GRCh38, 1-based): chr7:70,789,975-70,789,978, ACGG deleted; deleting any 4 consecutive bases within chr7:70,789,973-70,789,978 gives the same sequence; the c. name uses the placement nearest the transcript's 3' end. VCF-style (leftmost placement, unchanged base first): chr7-70789972-AGGAC-A. GRCh37 (hg19) VCF-style: chr7-70254958-AGGAC-A.
Other names: c.2687_2690del, p.Asp896fs (NM_001127231.3); short protein forms D896fs, D920fs.
Identifiers: ClinVar variation 4077159 (VCV004077159.2).